The following is an entry in ClinVar:

NM_198252.3(GSN):c.1114G>A (p.Asp372Asn)

Gene: GSN (gelsolin; plus strand). Cytogenetic location: 9q33.2.
Variant type: single nucleotide variant.
Coding change: c.1114G>A on transcript NM_198252.3 (MANE Select); coding-DNA position 1114, G replaced by A.
Protein change: p.Asp372Asn; replaces aspartic acid 372 with asparagine.
Molecular consequence: missense variant.
Genome position (GRCh38, 1-based): chr9:121,318,803, G>A. VCF-style: chr9-121318803-G-A. GRCh37 (hg19) VCF-style: chr9-124081081-G-A.
Other names: c.1267G>A, p.Asp423Asn (NM_000177.5); c.1114G>A, p.Asp372Asn (NM_001127662.2, NM_001127664.2, NM_001127665.2 and 10 more transcripts); c.1222G>A, p.Asp408Asn (NM_001127663.2); c.1147G>A, p.Asp383Asn (NM_001127666.2, NM_001127667.2, NM_001353063.2 and 13 more transcripts); c.1165G>A, p.Asp389Asn (NM_001258029.2); c.1138G>A, p.Asp380Asn (NM_001258030.2); c.1186G>A, p.Asp396Asn (NM_001353076.2); c.460G>A, p.Asp154Asn (NM_001353078.2); short protein forms D389N, D372N, D423N, D154N, D380N, D408N, D383N, D396N.
Identifiers: ClinVar variation 1500304 (VCV001500304.8), dbSNP rs200018246, ClinGen allele CA5221149.

ClinVar aggregate classification (germline): Uncertain significance (1 of 4 stars; one submission).

Allele frequency attached by ClinVar (database versions not stated): gnomAD exomes below 0.00001 and 0.00001; ExAC 0.00001; gnomAD 0.00001; TOPMed 0.00001; 1000 Genomes Project 0.00020; 1000 Genomes Project 30x 0.00031.
gnomAD v4.1: 9 of 1,614,140 alleles (0.00056%); highest among the groups gnomAD compares: Admixed American, 0.005%; no homozygotes.

Submission:

Labcorp Genetics (formerly Invitae), Labcorp
Classification: Uncertain significance. Last evaluated: 2025-01-20. Review status: criteria provided, single submitter. Criteria: Invitae Variant Classification Sherloc (09022015). Collection method: clinical testing. Allele origin: germline.
Comment: This sequence change replaces aspartic acid, which is acidic and polar, with asparagine, which is neutral and polar, at codon 423 of the GSN protein (p.Asp423Asn). This variant is present in population databases (rs200018246, gnomAD 0.006%). This variant has not been reported in the literature in individuals affected with GSN-related conditions. ClinVar contains an entry for this variant (Variation ID: 1500304). Invitae Evidence Modeling of protein sequence and biophysical properties (such as structural, functional, and spatial information, amino acid conservation, physicochemical variation, residue mobility, and thermodynamic stability) indicates that this missense variant is not expected to disrupt GSN protein function with a negative predictive value of 80%. In summary, the available evidence is currently insufficient to determine the role of this variant in disease. Therefore, it has been classified as a Variant of Uncertain Significance.